The following is an entry in ClinVar:

ClinVar aggregate classification (germline): Uncertain significance (1 of 4 stars; one submission).

Conditions:
Inborn genetic diseases. Identifiers: MedGen C0950123, MeSH D030342.

Submission:

Ambry Genetics
Classification: Uncertain significance for Inborn genetic diseases. Last evaluated: 2026-08-19. Review status: criteria provided, single submitter. Criteria: Ambry Variant Classification Scheme 2023. Collection method: clinical testing. Allele origin: germline.
Comment: The p.M267L variant (also known as c.799A>T), located in coding exon 6 of the RUNX1 gene, results from an A to T substitution at nucleotide position 799. The methionine at codon 267 is replaced by leucine, an amino acid with highly similar properties. This amino acid position is conserved. In addition, the in silico prediction for this alteration is inconclusive. Based on the available evidence, the clinical significance of this variant remains unclear.

NM_001754.5(RUNX1):c.799A>T (p.Met267Leu)

Gene: RUNX1 (RUNX family transcription factor 1; minus strand). Cytogenetic location: 21q22.12.
Variant type: single nucleotide variant.
Coding change: c.799A>T on transcript NM_001754.5 (MANE Select); coding-DNA position 799, A replaced by T.
Protein change: p.Met267Leu; replaces methionine 267 with leucine.
Molecular consequence: missense variant.
Genome position (GRCh38, 1-based): chr21:34,834,416, T>A on the plus strand (A>T on the coding strand, the complement: RUNX1 is on the minus strand). VCF-style: chr21-34834416-T-A. GRCh37 (hg19) VCF-style: chr21-36206713-T-A.
Other names: c.718A>T, p.Met240Leu (NM_001001890.3, NM_001122607.2); short protein forms M267L, M240L.
Identifiers: ClinVar variation 5028605 (VCV005028605.1).